The following is an entry in ClinVar:

ClinVar aggregate classification (germline): Uncertain significance (1 of 4 stars; one submission).

Submission:

Labcorp Genetics (formerly Invitae), Labcorp
Classification: Uncertain significance. Last evaluated: 2022-07-12. Review status: criteria provided, single submitter. Criteria: Invitae Variant Classification Sherloc (09022015). Collection method: clinical testing. Allele origin: germline.
Comment: This sequence change replaces serine, which is neutral and polar, with tyrosine, which is neutral and polar, at codon 97 of the MPLKIP protein (p.Ser97Tyr). This variant is not present in population databases (gnomAD no frequency). This variant has not been reported in the literature in individuals affected with MPLKIP-related conditions. Algorithms developed to predict the effect of missense changes on protein structure and function are either unavailable or do not agree on the potential impact of this missense change (SIFT: "Deleterious"; PolyPhen-2: "Probably Damaging"; Align-GVGD: "Class C0"). In summary, the available evidence is currently insufficient to determine the role of this variant in disease. Therefore, it has been classified as a Variant of Uncertain Significance.

NM_138701.4(MPLKIP):c.290C>A (p.Ser97Tyr)

Gene: MPLKIP (M-phase specific PLK1 interacting protein; minus strand). Cytogenetic location: 7p14.1.
Variant type: single nucleotide variant.
Coding change: c.290C>A on transcript NM_138701.4 (MANE Select); coding-DNA position 290, C replaced by A.
Protein change: p.Ser97Tyr; replaces serine 97 with tyrosine.
Molecular consequence: missense variant.
Genome position (GRCh38, 1-based): chr7:40,134,278, G>T on the plus strand (C>A on the coding strand, the complement: MPLKIP is on the minus strand). VCF-style: chr7-40134278-G-T. GRCh37 (hg19) VCF-style: chr7-40173877-G-T.
Other names: short protein forms S97Y.
Identifiers: ClinVar variation 2072494 (VCV002072494.1), dbSNP rs1376092567, ClinGen allele CA367308019.